The following is an entry in ClinVar:

ClinVar aggregate classification (germline): Uncertain significance. Review status: criteria provided, single submitter (1 of 4 stars). 2 submissions from 2 submitters: Uncertain significance (1). 1 of the submissions does not count toward it. Last evaluated 2017-02-22.

Conditions:
GPBAR1-related disorder. Also called: GPBAR1-related condition.

Allele frequency attached by ClinVar (database versions not stated): ExAC 0.00001; gnomAD exomes 0.00002; gnomAD 0.00003 and 0.00004; TOPMed 0.00006.

Submissions (2):

Eurofins Ntd Llc (ga)
Classification: Uncertain significance. Last evaluated: 2017-02-22. Review status: criteria provided, single submitter. Criteria: EGL Classification Definitions 2015. Collection method: clinical testing. Allele origin: germline. Observed: 1 variant allele, 1 heterozygote.

PreventionGenetics, part of Exact Sciences
Classification: Likely benign for GPBAR1-related condition. Last evaluated: 2021-07-13. Review status: no assertion criteria provided. Collection method: clinical testing. Allele origin: germline. Not counted in ClinVar's aggregate classification.
Comment: This variant is classified as likely benign based on ACMG/AMP sequence variant interpretation guidelines (Richards et al. 2015 PMID: 25741868, with internal and published modifications).

NM_170699.3(GPBAR1):c.528C>T (p.Pro176=)

Gene: GPBAR1 (G protein-coupled bile acid receptor 1; plus strand). Cytogenetic location: 2q35.
Variant type: single nucleotide variant.
Coding change: c.528C>T on transcript NM_170699.3 (MANE Select); coding-DNA position 528, C replaced by T.
Protein change: p.Pro176=; no amino-acid change (proline 176 retained).
Molecular consequence: synonymous variant.
Genome position (GRCh38, 1-based): chr2:218,263,252, C>T. VCF-style: chr2-218263252-C-T. GRCh37 (hg19) VCF-style: chr2-219127975-C-T.
Other names: c.528C>T, p.Pro176= (NM_001077191.2, NM_001077194.2, NM_001321950.2); c.528C>T (NM_001321950.1).
Identifiers: ClinVar variation 500566 (VCV000500566.7), dbSNP rs202154681, ClinGen allele CA2102606.
Genomic context (GRCh38, chr2:218,263,252, plus strand): 5'-CTCCCAGGCTATCTTCCCAGCCCCCTACCTGTACCTCGAAGTCTATGGGCTCCTGCTGCC[C>T]GCCGTGGGTGCTGCTGCCTTCCTCTCTGTCCGCGTGCTGGCCACTGCCCACCGCCAGCTG-3'
Protein context (NP_733800.1, residues 166-186): LYLEVYGLLL[Pro176=]AVGAAAFLSV